The following is an entry in ClinVar:

NM_000179.3(MSH6):c.2681A>G (p.Gln894Arg)

Gene: MSH6 (mutS homolog 6; plus strand). Cytogenetic location: 2p16.3.
Variant type: single nucleotide variant.
Coding change: c.2681A>G on transcript NM_000179.3 (MANE Select); coding-DNA position 2681, A replaced by G.
Protein change: p.Gln894Arg; replaces glutamine 894 with arginine.
Molecular consequence: missense variant. On other transcripts: non-coding transcript variant (5), intron variant (2), splice acceptor variant (1).
Genome position (GRCh38, 1-based): chr2:47,800,664, A>G. VCF-style: chr2-47800664-A-G. GRCh37 (hg19) VCF-style: chr2-48027803-A-G.
Other names: c.2291A>G, p.Gln764Arg (NM_001281492.2); c.1775A>G, p.Gln592Arg (NM_001281493.2, NM_001281494.2, NM_001406811.1 and 6 more transcripts); c.2777A>G, p.Gln926Arg (NM_001406795.1, NM_001406802.1); c.2681A>G, p.Gln894Arg (NM_001406796.1, NM_001406798.1, NM_001406800.1 and 2 more transcripts); c.2384A>G, p.Gln795Arg (NM_001406797.1, NM_001406801.1, NM_001406805.1 and 10 more transcripts); c.2156A>G, p.Gln719Arg (NM_001406799.1, NM_001406806.1, NM_001406807.1); c.2603A>G, p.Gln868Arg (NM_001406804.1); c.2687A>G, p.Gln896Arg (NM_001406813.1); and 4 more; short protein forms Q838R, Q592R, Q896R, Q795R, Q868R, Q719R, Q764R, Q894R.
Identifiers: ClinVar variation 2832855 (VCV002832855.4), dbSNP rs1669496676, ClinGen allele CA346755280.

ClinVar aggregate classification (germline): Uncertain significance. Review status: criteria provided, multiple submitters, no conflicts (2 of 4 stars). 2 submissions from 2 submitters: Uncertain significance (2). Last evaluated 2025-05-25.

Conditions:
Hereditary cancer-predisposing syndrome. Also called: Neoplastic Syndromes, Hereditary; Tumor predisposition; Hereditary Cancer Syndrome; Hereditary neoplastic syndrome. Identifiers: Orphanet 140162, MedGen C0027672, MeSH D009386, MONDO:0015356.
Hereditary nonpolyposis colorectal neoplasms. Identifiers: MedGen C0009405, MeSH D003123.

Submissions (2):

Color Diagnostics, LLC DBA Color Health
Classification: Uncertain significance for Hereditary cancer-predisposing syndrome. Last evaluated: 2025-05-25. Review status: criteria provided, single submitter. Criteria: ACMG Guidelines, 2015. Collection method: clinical testing. Allele origin: germline.
Comment: This missense variant replaces glutamine with arginine at codon 894 of the MSH6 protein. Computational prediction suggests that this variant may not impact protein structure and function. To our knowledge, functional studies have not been reported for this variant. This variant has not been reported in individuals affected with MSH6-related disorders in the literature. This variant has not been identified in the general population by the Genome Aggregation Database (gnomAD). The available evidence is insufficient to determine the role of this variant in disease conclusively. Therefore, this variant is classified as a Variant of Uncertain Significance.

Labcorp Genetics (formerly Invitae), Labcorp
Classification: Uncertain significance for Hereditary nonpolyposis colorectal neoplasms. Last evaluated: 2023-01-30. Review status: criteria provided, single submitter. Criteria: Invitae Variant Classification Sherloc (09022015). Collection method: clinical testing. Allele origin: germline.
Comment: This sequence change replaces glutamine, which is neutral and polar, with arginine, which is basic and polar, at codon 894 of the MSH6 protein (p.Gln894Arg). This variant is not present in population databases (gnomAD no frequency). This variant has not been reported in the literature in individuals affected with MSH6-related conditions. Advanced modeling of protein sequence and biophysical properties (such as structural, functional, and spatial information, amino acid conservation, physicochemical variation, residue mobility, and thermodynamic stability) performed at Invitae indicates that this missense variant is not expected to disrupt MSH6 protein function. In summary, the available evidence is currently insufficient to determine the role of this variant in disease. Therefore, it has been classified as a Variant of Uncertain Significance.